The following is an entry in ClinVar:

NM_001348768.2(HECW2):c.3752T>C (p.Val1251Ala)

Gene: HECW2 (HECT, C2 and WW domain containing E3 ubiquitin protein ligase 2; minus strand). Cytogenetic location: 2q32.3.
Variant type: single nucleotide variant.
Coding change: c.3752T>C on transcript NM_001348768.2 (MANE Select); coding-DNA position 3752, T replaced by C.
Protein change: p.Val1251Ala; replaces valine 1251 with alanine.
Molecular consequence: missense variant.
Genome position (GRCh38, 1-based): chr2:196,240,461, A>G on the plus strand (T>C on the coding strand, the complement: HECW2 is on the minus strand). VCF-style: chr2-196240461-A-G. GRCh37 (hg19) VCF-style: chr2-197105185-A-G.
Other names: c.2684T>C, p.Val895Ala (NM_001304840.3); c.3752T>C, p.Val1251Ala (NM_020760.4); short protein forms V1251A, V895A.
Identifiers: ClinVar variation 2682433 (VCV002682433.1), dbSNP rs374428183, ClinGen allele CA62763673.

ClinVar aggregate classification (germline): Uncertain significance (1 of 4 stars; one submission).

Allele frequency attached by ClinVar (database versions not stated): gnomAD 0.00001; TOPMed 0.00002; ESP Exome Variant Server 0.00008.
gnomAD v4.1: 27 of 1,608,646 alleles (0.0017%); highest among the groups gnomAD compares: Non-Finnish European, 0.0023%; no homozygotes.

Submission:

Women's Health and Genetics/Laboratory Corporation of America, LabCorp
Classification: Uncertain significance. Last evaluated: 2023-11-09. Review status: criteria provided, single submitter. Criteria: LabCorp Variant Classification Summary - May 2015. Collection method: clinical testing. Allele origin: germline.
Comment: Variant summary: HECW2 c.3752T>C (p.Val1251Ala) results in a non-conservative amino acid change located in the HECT domain (IPR000569) of the encoded protein sequence. Three of five in-silico tools predict a damaging effect of the variant on protein function. The variant allele was found at a frequency of 1.7e-05 in 1608646 control chromosomes (i.e., 27 heterozygotes; gnomAD v4.0.0). The available data on variant occurrences in the general population are insufficient to allow any conclusion about variant significance. However, given the predominance of both early-onset disease and de novo occurrence of causative genetic variants in cohorts of individuals affected with Neurodevelopmental Disorder With Hypotonia, Seizures, And Absent Language (PMIDs: 27389779, 27334371), this frequency is suggestive that the variant may be a benign polymorphism. To our knowledge, no occurrence of c.3752T>C in individuals affected with Neurodevelopmental Disorder With Hypotonia, Seizures, And Absent Language and no experimental evidence demonstrating its impact on protein function have been reported. No submitters have reported clinical-significance assessments for this variant to ClinVar after 2014. Based on the evidence outlined above, the variant was classified as VUS-possibly benign.